The following is an entry in ClinVar:

NC_000014.8:g.(?_75497226)_(75498902_?)del

Gene: MLH3 (mutL homolog 3; minus strand). Cytogenetic location: 14q24.3.
Variant type: Deletion.
Identifiers: ClinVar variation 2423548 (VCV002423548.4).

ClinVar aggregate classification (germline): Uncertain significance (1 of 4 stars; one submission).

Conditions:
Colorectal cancer, hereditary nonpolyposis, type 7. Identifiers: Orphanet 144, MedGen C1858380, MONDO:0013725, OMIM 614385.

Submission:

Labcorp Genetics (formerly Invitae), Labcorp
Classification: Uncertain significance for Colorectal cancer, hereditary nonpolyposis, type 7. Last evaluated: 2022-04-15. Review status: criteria provided, single submitter. Criteria: Invitae Variant Classification Sherloc (09022015). Collection method: clinical testing. Allele origin: germline.
Comment: This variant is a gross deletion of the genomic region encompassing exon(s) 8-9 of the MLH3 gene. This deletion is out-of-frame, and is expected to create a premature translational stop signal and result in an absent or disrupted protein product. However, the current clinical and genetic evidence is not sufficient to establish whether loss-of-function variants in MLH3 cause disease. This variant has not been reported in the literature in individuals affected with MLH3-related conditions. In summary, the available evidence is currently insufficient to determine the role of this variant in disease. Therefore, it has been classified as a Variant of Uncertain Significance.